The following is an entry in ClinVar:

ClinVar aggregate classification (germline): Uncertain significance (1 of 4 stars; one submission).

Allele frequency attached by ClinVar (database versions not stated): ExAC 0.00001; gnomAD 0.00001; TOPMed 0.00001.

Submission:

Labcorp Genetics (formerly Invitae), Labcorp
Classification: Uncertain significance. Last evaluated: 2022-10-25. Review status: criteria provided, single submitter. Criteria: Invitae Variant Classification Sherloc (09022015). Collection method: clinical testing. Allele origin: germline.
Comment: This variant has not been reported in the literature in individuals affected with ADNP-related conditions. This variant, c.460_462del, results in the deletion of 1 amino acid(s) of the ADNP protein (p.Pro154del), but otherwise preserves the integrity of the reading frame. This variant is present in population databases (rs775167383, gnomAD 0.007%). Experimental studies and prediction algorithms are not available or were not evaluated, and the functional significance of this variant is currently unknown. In summary, the available evidence is currently insufficient to determine the role of this variant in disease. Therefore, it has been classified as a Variant of Uncertain Significance.

NM_001282531.3(ADNP):c.460_462del (p.Pro154del)

Gene: ADNP (activity dependent neuroprotector homeobox; minus strand). Cytogenetic location: 20q13.13.
Variant type: Deletion.
Coding change: c.460_462del on transcript NM_001282531.3 (MANE Select); coding-DNA positions 460 to 462, 3 bases deleted (CCT; older notation c.460_462delCCT).
Protein change: p.Pro154del; deletes proline 154.
Molecular consequence: inframe deletion.
Genome position (GRCh38, 1-based): chr20:50,894,252-50,894,254, AGG deleted on the plus strand (CCT on the coding strand, the reverse complement: ADNP is on the minus strand). VCF-style (leftmost placement, unchanged base first): chr20-50894251-TAGG-T. GRCh37 (hg19) VCF-style: chr20-49510788-TAGG-T.
Other names: c.460_462del, p.Pro154del (NM_001282532.2, NM_001347511.2, NM_015339.5 and 1 more transcripts); short protein forms P154del.
Identifiers: ClinVar variation 2036741 (VCV002036741.4), dbSNP rs775167383, ClinGen allele CA9908876.